The following is an entry in ClinVar:

NM_003105.6(SORL1):c.2943C>T (p.Leu981=)

Gene: SORL1 (sortilin related receptor 1; plus strand). Cytogenetic location: 11q24.1.
Variant type: single nucleotide variant.
Coding change: c.2943C>T on transcript NM_003105.6 (MANE Select); coding-DNA position 2943, C replaced by T.
Protein change: p.Leu981=; no amino-acid change (leucine 981 retained).
Molecular consequence: synonymous variant.
Genome position (GRCh38, 1-based): chr11:121,559,551, C>T. VCF-style: chr11-121559551-C-T. GRCh37 (hg19) VCF-style: chr11-121430260-C-T.
Identifiers: ClinVar variation 3053404 (VCV003053404.2), dbSNP rs1028738496, ClinGen allele CA229903735.

ClinVar aggregate classification (germline): Likely benign (0 of 4 stars; one submission).

Conditions:
SORL1-related disorder. Also called: SORL1-related condition.

Allele frequency attached by ClinVar (database versions not stated): gnomAD exomes below 0.00001; gnomAD 0.00001; TOPMed 0.00002.
gnomAD v4.1: 7 of 1,614,044 alleles (0.00043%); highest among the groups gnomAD compares: Admixed American, 0.0017%; no homozygotes.

Submission:

PreventionGenetics, part of Exact Sciences
Classification: Likely benign for SORL1-related condition. Last evaluated: 2019-08-28. Review status: no assertion criteria provided. Collection method: clinical testing. Allele origin: germline.
Comment: This variant is classified as likely benign based on ACMG/AMP sequence variant interpretation guidelines (Richards et al. 2015 PMID: 25741868, with internal and published modifications).